The following is an entry in ClinVar:

NM_032608.7(MYO18B):c.2179G>A (p.Ala727Thr)

Gene: MYO18B (myosin XVIIIB; plus strand). Cytogenetic location: 22q12.1.
Variant type: single nucleotide variant.
Coding change: c.2179G>A on transcript NM_032608.7 (MANE Select); coding-DNA position 2179, G replaced by A.
Protein change: p.Ala727Thr; replaces alanine 727 with threonine.
Molecular consequence: missense variant.
Genome position (GRCh38, 1-based): chr22:25,780,166, G>A. VCF-style: chr22-25780166-G-A. GRCh37 (hg19) VCF-style: chr22-26176133-G-A.
Other names: c.2179G>A (NM_032608.5, NM_032608.6); c.2179G>A, p.Ala727Thr (NM_001318245.2); short protein forms A727T.
Identifiers: ClinVar variation 1603689 (VCV001603689.11), dbSNP rs551523071, ClinGen allele CA10160074.
Genomic context (GRCh38, chr22:25,780,166, plus strand): 5'-TCCATGGCCCACAGCCGCAGTGCCACCCGGTTCTCCATGGTGATGTCGCTGGACTTCAAC[G>A]CTACAGGCCGCATCACAGCTGCTCAGCTCCAGGTGAGGCCTCTCGGGGGATGTGCAAGGG-3'
Protein context (NP_115997.5, residues 717-737): FSMVMSLDFN[Ala727Thr]TGRITAAQLQ

ClinVar aggregate classification (germline): Conflicting classifications of pathogenicity. Review status: criteria provided, conflicting classifications (1 of 4 stars). 3 submissions from 3 submitters: Uncertain significance (1); Likely benign (1). 1 of the submissions does not count toward it. Last evaluated 2026-02-01.

Conditions:
MYO18B-related disorder. Also called: MYO18B-related condition.
Inborn genetic diseases. Identifiers: MedGen C0950123, MeSH D030342.

Allele frequency attached by ClinVar (database versions not stated): gnomAD exomes 0.00013 and 0.00024; ExAC 0.00020; gnomAD 0.00029; TOPMed 0.00042; 1000 Genomes Project 30x 0.00047; 1000 Genomes Project 0.00060.
gnomAD v4.1: 261 of 1,606,202 alleles (0.016%); highest among the groups gnomAD compares: Admixed American, 0.047%; no homozygotes.

Submissions (3):

Labcorp Genetics (formerly Invitae), Labcorp
Classification: Likely benign. Last evaluated: 2026-02-01. Review status: criteria provided, single submitter. Criteria: Invitae Variant Classification Sherloc (09022015). Collection method: clinical testing. Allele origin: germline.

Ambry Genetics
Classification: Uncertain significance for Inborn genetic diseases. Last evaluated: 2021-08-19. Review status: criteria provided, single submitter. Criteria: Ambry Variant Classification Scheme 2023. Collection method: clinical testing. Allele origin: germline.

PreventionGenetics, part of Exact Sciences
Classification: Likely benign for MYO18B-related condition. Last evaluated: 2022-10-08. Review status: no assertion criteria provided. Collection method: clinical testing. Allele origin: germline. Not counted in ClinVar's aggregate classification.
Comment: This variant is classified as likely benign based on ACMG/AMP sequence variant interpretation guidelines (Richards et al. 2015 PMID: 25741868, with internal and published modifications).